The following is an entry in ClinVar:

NM_000038.6(APC):c.7282G>A (p.Glu2428Lys)

Gene: APC (APC regulator of Wnt signaling pathway; plus strand). Cytogenetic location: 5q22.2.
Variant type: single nucleotide variant.
Coding change: c.7282G>A on transcript NM_000038.6 (MANE Select); coding-DNA position 7282, G replaced by A.
Protein change: p.Glu2428Lys; replaces glutamic acid 2428 with lysine.
Molecular consequence: missense variant. On other transcripts: non-coding transcript variant (2).
Genome position (GRCh38, 1-based): chr5:112,842,876, G>A. VCF-style: chr5-112842876-G-A. GRCh37 (hg19) VCF-style: chr5-112178573-G-A.
Other names: c.7282G>A, p.Glu2428Lys (NM_001127510.3, NM_001354895.2, NM_001407450.1); c.7228G>A, p.Glu2410Lys (NM_001127511.3); c.7336G>A, p.Glu2446Lys (NM_001354896.2, NM_001407447.1, NM_001407448.1 and 1 more transcripts); c.7312G>A, p.Glu2438Lys (NM_001354897.2); c.7207G>A, p.Glu2403Lys (NM_001354898.2); c.7198G>A, p.Glu2400Lys (NM_001354899.2); c.7159G>A, p.Glu2387Lys (NM_001354900.2); c.7105G>A, p.Glu2369Lys (NM_001354901.2, NM_001407453.1); and 11 more; short protein forms E2327K, E2410K, E2421K, E2446K, E2044K, E2345K, E2369K, E2418K.
Identifiers: ClinVar variation 3675531 (VCV003675531.2).

ClinVar aggregate classification (germline): Uncertain significance (1 of 4 stars; one submission).

Conditions:
Familial adenomatous polyposis 1 (FAP1). Also called: POLYPOSIS, ADENOMATOUS INTESTINAL; FAMILIAL ADENOMATOUS POLYPOSIS 1, ATTENUATED. Identifiers: MedGen C2713442, MONDO:0021056, OMIM 175100. Disease mechanism: loss of function.

Submission:

Labcorp Genetics (formerly Invitae), Labcorp
Classification: Uncertain significance for Familial adenomatous polyposis 1. Last evaluated: 2024-07-16. Review status: criteria provided, single submitter. Criteria: Invitae Variant Classification Sherloc (09022015). Collection method: clinical testing. Allele origin: germline.
Comment: This sequence change replaces glutamic acid, which is acidic and polar, with lysine, which is basic and polar, at codon 2428 of the APC protein (p.Glu2428Lys). This variant is not present in population databases (gnomAD no frequency). This variant has not been reported in the literature in individuals affected with APC-related conditions. Advanced modeling of protein sequence and biophysical properties (such as structural, functional, and spatial information, amino acid conservation, physicochemical variation, residue mobility, and thermodynamic stability) performed at Invitae indicates that this missense variant is not expected to disrupt APC protein function with a negative predictive value of 95%. In summary, the available evidence is currently insufficient to determine the role of this variant in disease. Therefore, it has been classified as a Variant of Uncertain Significance.